The following is an entry in ClinVar:

NM_000341.4(SLC3A1):c.1823ATA[1] (p.Asn609del)

Genes: PREPL (prolyl endopeptidase like; minus strand), SLC3A1 (solute carrier family 3 member 1; plus strand). Cytogenetic location: 2p21.
Variant type: Microsatellite.
Coding change: c.1823ATA[1] on transcript NM_000341.4 (MANE Select); one copy of the 3-base unit ATA starting at c.1823; the reference has two copies in a row; one copy, 3 bases deleted; also written c.1826_1828del.
Protein change: p.Asn609del; deletes asparagine 609.
Molecular consequence: inframe deletion. On other transcripts: 3 prime UTR variant (10).
Genome position (GRCh38, 1-based): chr2:44,320,407-44,320,409, ATA deleted; deleting any 3 consecutive bases within chr2:44,320,404-44,320,409 gives the same sequence; the position shown is the placement nearest the transcript's 3' end. VCF-style (leftmost placement, unchanged base first): chr2-44320403-CATA-C. GRCh37 (hg19) VCF-style: chr2-44547542-CATA-C.
Other names: c.1826_1828del (NM_000341.4); c.*947TAT[1] (NM_001042385.2, NM_001042386.2, NM_001171603.1 and 7 more transcripts); short protein forms N609del.
Identifiers: ClinVar variation 1026394 (VCV001026394.11), dbSNP rs1672827519, ClinGen allele CA2494221134.
Genomic context (GRCh38, chr2:44,320,403, plus strand): 5'-GGCATCGACAGAATCTTTATCGTGGTTCTGAATTTTGGAGAATCAACACTGTTAAATCTA[CATA>C]ATATGATTTCGGGCCTTCCCGCTAAAATGAGAATAAGGTTAAGTACCAATTCTGCCGACA-3'

ClinVar aggregate classification (germline): Uncertain significance. Review status: criteria provided, multiple submitters, no conflicts (2 of 4 stars). 2 submissions from 2 submitters: Uncertain significance (2). Last evaluated 2021-04-26.

Conditions:
Cystinuria (CSNU). Also called: CYSTINURIA, TYPE I; CYSTINURIA, TYPE II; CYSTINURIA, TYPE III; Cystinuria, non-type I. Identifiers: Orphanet 214, MedGen C0010691, MONDO:0009067, OMIM 220100, HP:0003131.

Submissions (2):

Revvity Omics, Revvity
Classification: Uncertain significance for Cystinuria. Last evaluated: 2021-04-26. Review status: criteria provided, single submitter. Criteria: ACMG Guidelines, 2015. Collection method: clinical testing. Allele origin: germline.

Labcorp Genetics (formerly Invitae), Labcorp
Classification: Uncertain significance for Cystinuria. Last evaluated: 2020-11-11. Review status: criteria provided, single submitter. Criteria: Invitae Variant Classification Sherloc (09022015). Collection method: clinical testing. Allele origin: germline.
Comment: In summary, the available evidence is currently insufficient to determine the role of this variant in disease. Therefore, it has been classified as a Variant of Uncertain Significance. Experimental studies and prediction algorithms are not available or were not evaluated, and the functional significance of this variant is currently unknown. This variant has been observed in individual(s) with cystinuria (Invitae). In at least one individual the data is consistent with the variant being in trans (on the opposite chromosome) from a pathogenic variant. This variant is not present in population databases (ExAC no frequency). This variant, c.1826_1828del, results in the deletion of 1 amino acid(s) of the SLC3A1 protein (p.Asn609del), but otherwise preserves the integrity of the reading frame.